The following is an entry in ClinVar:

NC_000015.9:g.(?_90173498)_(90188702_?)dup

Gene: KIF7 (kinesin family member 7; minus strand). Cytogenetic location: 15q26.1.
Variant type: Duplication.
Identifiers: ClinVar variation 2427659 (VCV002427659.3).

ClinVar aggregate classification (germline): Likely pathogenic (1 of 4 stars; one submission).

Conditions:
Acrocallosal syndrome (ACLS). Also called: HALLUX DUPLICATION, POSTAXIAL POLYDACTYLY, AND ABSENCE OF CORPUS CALLOSUM; Schinzel syndrome 1; Absence of corpus callosum with unusual facial appearance, mental deficiency, duplication of the halluces and polydactyly. Identifiers: Orphanet 36, MedGen C0796147, MONDO:0008708, OMIM 200990.

Submission:

Labcorp Genetics (formerly Invitae), Labcorp
Classification: Likely pathogenic for Acrocallosal syndrome. Last evaluated: 2022-07-17. Review status: criteria provided, single submitter. Criteria: Invitae Variant Classification Sherloc (09022015). Collection method: clinical testing. Allele origin: germline.
Comment: In summary, the currently available evidence indicates that the variant is pathogenic, but additional data are needed to prove that conclusively. Therefore, this variant has been classified as Likely Pathogenic. This variant has not been reported in the literature in individuals affected with KIF7-related conditions. This variant results in a copy number gain of the genomic region encompassing exon(s) 9-16 of the KIF7 gene. While the exact position of this variant cannot be determined from the data, sub-genic copy number gains are generally in tandem (PMID: 25640679). This variant is predicted to be out-of-frame, and may result in an absent or disrupted protein product. Loss-of-function variants in KIF7 are known to be pathogenic (PMID: 19666503, 21552264, 21633164, 26648833).

Literature cited by the submitters: PubMed 25640679; PubMed 19666503; PubMed 21552264; PubMed 21633164; PubMed 26648833.